The following is an entry in ClinVar:

NM_025074.7(FRAS1):c.3896C>T (p.Thr1299Ile)

Gene: FRAS1 (Fraser extracellular matrix complex subunit 1; plus strand). Cytogenetic location: 4q21.21.
Variant type: single nucleotide variant.
Coding change: c.3896C>T on transcript NM_025074.7 (MANE Select); coding-DNA position 3896, C replaced by T.
Protein change: p.Thr1299Ile; replaces threonine 1299 with isoleucine.
Molecular consequence: missense variant.
Genome position (GRCh38, 1-based): chr4:78,387,622, C>T. VCF-style: chr4-78387622-C-T. GRCh37 (hg19) VCF-style: chr4-79308776-C-T.
Other names: c.3896C>T, p.Thr1299Ile (NM_001166133.2); short protein forms T1299I.
Identifiers: ClinVar variation 1433771 (VCV001433771.5), dbSNP rs1732269878, ClinGen allele CA357377389.

ClinVar aggregate classification (germline): Uncertain significance (1 of 4 stars; one submission).

Allele frequency attached by ClinVar (database versions not stated): TOPMed below 0.00001; gnomAD exomes 0.00001.
gnomAD v4.1: 17 of 1,610,440 alleles (0.0011%); highest among the groups gnomAD compares: Non-Finnish European, 0.0014%; no homozygotes.

Submission:

Labcorp Genetics (formerly Invitae), Labcorp
Classification: Uncertain significance. Last evaluated: 2021-09-05. Review status: criteria provided, single submitter. Criteria: Invitae Variant Classification Sherloc (09022015). Collection method: clinical testing. Allele origin: germline.
Comment: In summary, the available evidence is currently insufficient to determine the role of this variant in disease. Therefore, it has been classified as a Variant of Uncertain Significance. This sequence change replaces threonine with isoleucine at codon 1299 of the FRAS1 protein (p.Thr1299Ile). The threonine residue is moderately conserved and there is a moderate physicochemical difference between threonine and isoleucine. This variant is not present in population databases (ExAC no frequency). This variant has not been reported in the literature in individuals affected with FRAS1-related conditions. Algorithms developed to predict the effect of missense changes on protein structure and function output the following: SIFT: "Tolerated"; PolyPhen-2: "Benign"; Align-GVGD: "Class C0". The isoleucine amino acid residue is found in multiple mammalian species, which suggests that this missense change does not adversely affect protein function.